The following is an entry in ClinVar:

NM_025099.6(CTC1):c.2356C>A (p.Pro786Thr)

Gene: CTC1 (CST telomere replication complex component 1; minus strand). Cytogenetic location: 17p13.1.
Variant type: single nucleotide variant.
Coding change: c.2356C>A on transcript NM_025099.6 (MANE Select); coding-DNA position 2356, C replaced by A.
Protein change: p.Pro786Thr; replaces proline 786 with threonine.
Molecular consequence: missense variant. On other transcripts: non-coding transcript variant (1).
Genome position (GRCh38, 1-based): chr17:8,231,932, G>T on the plus strand (C>A on the coding strand, the complement: CTC1 is on the minus strand). VCF-style: chr17-8231932-G-T. GRCh37 (hg19) VCF-style: chr17-8135250-G-T.
Other names: short protein forms P786T.
Identifiers: ClinVar variation 529173 (VCV000529173.12), dbSNP rs1026203083, ClinGen allele CA287533618.

ClinVar aggregate classification (germline): Uncertain significance. Review status: criteria provided, multiple submitters, no conflicts (2 of 4 stars). 2 submissions from 2 submitters: Uncertain significance (2). Last evaluated 2026-01-24.

Conditions:
Inborn genetic diseases. Identifiers: MedGen C0950123, MeSH D030342.
Dyskeratosis congenita. Identifiers: Orphanet 1775, MedGen C0265965, MONDO:0015780.

Allele frequency attached by ClinVar (database versions not stated): gnomAD exomes below 0.00001 and 0.00001; TOPMed 0.00002.

Submissions (2):

Labcorp Genetics (formerly Invitae), Labcorp
Classification: Uncertain significance for Dyskeratosis congenita. Last evaluated: 2026-01-24. Review status: criteria provided, single submitter. Criteria: Invitae Variant Classification Sherloc (09022015). Collection method: clinical testing. Allele origin: germline.
Comment: This sequence change replaces proline, which is neutral and non-polar, with threonine, which is neutral and polar, at codon 786 of the CTC1 protein (p.Pro786Thr). This variant is present in population databases (no rsID available, gnomAD 0.01%). This variant has not been reported in the literature in individuals affected with CTC1-related conditions. ClinVar contains an entry for this variant (Variation ID: 529173). Invitae Evidence Modeling of protein sequence and biophysical properties (such as structural, functional, and spatial information, amino acid conservation, physicochemical variation, residue mobility, and thermodynamic stability) indicates that this missense variant is not expected to disrupt CTC1 protein function with a negative predictive value of 80%. In summary, the available evidence is currently insufficient to determine the role of this variant in disease. Therefore, it has been classified as a Variant of Uncertain Significance.

Ambry Genetics
Classification: Uncertain significance for Inborn genetic diseases. Last evaluated: 2022-06-28. Review status: criteria provided, single submitter. Criteria: Ambry Variant Classification Scheme 2023. Collection method: clinical testing. Allele origin: germline.